The following is an entry in ClinVar:

ClinVar aggregate classification (germline): Likely benign (1 of 4 stars; one submission).

gnomAD v4.1: 11 of 456,060 alleles (0.0024%); highest among the groups gnomAD compares: Admixed American, 0.0094%; no homozygotes.

Submission:

CeGaT Center for Human Genetics Tuebingen
Classification: Likely benign. Last evaluated: 2025-09-01. Review status: criteria provided, single submitter. Criteria: CeGaT Center For Human Genetics Tuebingen Variant Classification Criteria Version 2. Collection method: clinical testing. Allele origin: germline. Affected: yes. Observed: 1 variant allele.
Comment: SDIM1: BP4, BP7

NC_000006.12:g.165894513G>A

Genes: LINC00473 (long independently transcribed non-coding RNA 473; minus strand), PDE10A (phosphodiesterase 10A; minus strand), SDIM1 (stress responsive DNAJB4 interacting membrane protein 1). Cytogenetic location: 6q27.
Variant type: single nucleotide variant.
Genome position: GRCh38 VCF-style: chr6-165894513-G-A. GRCh37 (hg19) VCF-style: chr6-166308001-G-A.
Identifiers: ClinVar variation 4281127 (VCV004281127.7).